The following is an entry in ClinVar:

ClinVar aggregate classification (germline): Uncertain significance. Review status: criteria provided, multiple submitters, no conflicts (2 of 4 stars). 2 submissions from 2 submitters: Uncertain significance (2). Last evaluated 2021-12-12.

Conditions:
Polycystic kidney disease, adult type (PKD1). Also called: POLYCYSTIC KIDNEY DISEASE 1 WITH OR WITHOUT POLYCYSTIC LIVER DISEASE; POLYCYSTIC KIDNEY DISEASE, ADULT, TYPE I; Polycystic Kidney, Autosomal Dominant; Polycystic Kidney Disease 1, Autosomal Dominant; Polycystic kidney disease 1; Polycystic kidney disease 1, severe. Identifiers: MedGen C3149841, MONDO:0008263, OMIM 173900.

Submissions (2):

Fulgent Genetics
Classification: Uncertain significance for Polycystic kidney disease, adult type. Last evaluated: 2021-12-12. Review status: criteria provided, single submitter. Criteria: ACMG Guidelines, 2015. Collection method: clinical testing. Allele origin: unknown.

ARUP Laboratories, Molecular Genetics and Genomics, ARUP Laboratories
Classification: Uncertain significance for Polycystic kidney disease, adult type. Last evaluated: 2019-01-24. Review status: criteria provided, single submitter. Criteria: ARUP Molecular Germline Variant Investigation Process. Collection method: clinical testing. Allele origin: germline.
Comment: The PKD1 c.7546C>G; p.Arg2516Gly variant (rs797044902), to our knowledge, is not reported in the medical literature or gene specific databases. This variant is also absent from general population databases (Exome Variant Server, Genome Aggregation Database), indicating it is not a common polymorphism. The arginine at codon 2516 is highly conserved, and computational analyses (SIFT, PolyPhen-2) predict that this variant is deleterious. Additional, another variant at this codon (p.Arg2516Cys) is reported in multiple individuals with autosomal dominant polycystic kidney disease and is considered likely pathogenic (Cornec-Le Gall 2013, Garcia-Gonzalez 2007, Rossetti 2007). However, given the lack of clinical and functional data, the significance of the p.Arg2516Gly variant is uncertain at this time. References: Cornec-Le Gall E et al. Type of PKD1 mutation influences renal outcome in ADPKD. J Am Soc Nephrol. 2013 May;24(6):1006-13. Garcia-Gonzalez MA et al. Evaluating the clinical utility of a molecular genetic test for polycystic kidney disease. Mol Genet Metab. 2007 Sep-Oct;92(1-2):160-7. Rossetti S et al. Comprehensive molecular diagnostics in autosomal dominant polycystic kidney disease. J Am Soc Nephrol. 2007 Jul;18(7):2143-60.

NM_001009944.3(PKD1):c.7546C>G (p.Arg2516Gly)

Gene: PKD1 (polycystin 1, transient receptor potential channel interacting; minus strand). Cytogenetic location: 16p13.3.
Variant type: single nucleotide variant.
Coding change: c.7546C>G on transcript NM_001009944.3 (MANE Select); coding-DNA position 7546, C replaced by G.
Protein change: p.Arg2516Gly; replaces arginine 2516 with glycine.
Molecular consequence: missense variant.
Genome position (GRCh38, 1-based): chr16:2,106,248, G>C on the plus strand (C>G on the coding strand, the complement: PKD1 is on the minus strand). VCF-style: chr16-2106248-G-C. GRCh37 (hg19) VCF-style: chr16-2156249-G-C.
Other names: c.7546C>G, p.Arg2516Gly (NM_000296.4); short protein forms R2516G.
Identifiers: ClinVar variation 811279 (VCV000811279.9), dbSNP rs797044902, ClinGen allele CA394368930.